The following is an entry in ClinVar:

ClinVar aggregate classification (germline): Conflicting classifications of pathogenicity. Review status: criteria provided, conflicting classifications (1 of 4 stars). 4 submissions from 4 submitters: Uncertain significance (1); Benign (1); Likely benign (2). Last evaluated 2026-01-19.

Conditions:
Hereditary cancer-predisposing syndrome. Also called: Neoplastic Syndromes, Hereditary; Tumor predisposition; Hereditary neoplastic syndrome; Hereditary Cancer Syndrome. Identifiers: Orphanet 140162, MedGen C0027672, MeSH D009386, MONDO:0015356.
Pheochromocytoma/paraganglioma syndrome 5. Also called: Paragangliomas 5; SDHA-Related Hereditary Paraganglioma-Pheochromocytoma Syndrome. Identifiers: Orphanet 29072, MedGen C3279992, MONDO:0013602, OMIM 614165.
Mitochondrial complex II deficiency, nuclear type 1. Also called: SUCCINATE CoQ REDUCTASE DEFICIENCY. Identifiers: Orphanet 3208, MedGen C5700310, MONDO:0100294, OMIM 252011.

Allele frequency attached by ClinVar (database versions not stated): ExAC 0.00001; gnomAD exomes 0.00001; TOPMed 0.00001; gnomAD 0.00003.
gnomAD v4.1: 4 of 1,613,848 alleles (0.00025%); highest among the groups gnomAD compares: East Asian, 0.0067%; no homozygotes.

Submissions (4):

Labcorp Genetics (formerly Invitae), Labcorp
Classification: Likely benign for Pheochromocytoma/paraganglioma syndrome 5; Mitochondrial complex II deficiency, nuclear type 1. Last evaluated: 2026-01-19. Review status: criteria provided, single submitter. Criteria: Invitae Variant Classification Sherloc (09022015). Collection method: clinical testing. Allele origin: germline.

Quest Diagnostics Nichols Institute San Juan Capistrano
Classification: Uncertain significance. Last evaluated: 2025-09-12. Review status: criteria provided, single submitter. Criteria: Quest Diagnostics criteria. Collection method: clinical testing. Allele origin: unknown.
Comment: The SDHA c.1782G>A (p.Arg594=) synonymous variant has not been reported in individuals with SDHA-related conditions in the published literature. The frequency of this variant in the general population (Genome Aggregation Database) is uninformative in the assessment of its pathogenicity. Analysis of this variant using software algorithms for the prediction of the effect of nucleotide changes on splicing yielded predictions that this variant does not affect SDHA mRNA splicing. Based on the available information, we are unable to determine the clinical significance of this variant.

Myriad Genetics, Inc.
Classification: Benign for Pheochromocytoma/paraganglioma syndrome 5. Last evaluated: 2025-03-11. Review status: criteria provided, single submitter. Criteria: Myriad Autosomal Dominant, Autosomal Recessive and X-Linked Classification Criteria (2023). Collection method: clinical testing. Allele origin: unknown.
Comment: This variant is considered benign. This variant is a silent/synonymous amino acid change and it is not expected to impact splicing.

Ambry Genetics
Classification: Likely benign for Hereditary cancer-predisposing syndrome. Last evaluated: 2021-02-18. Review status: criteria provided, single submitter. Criteria: Ambry Variant Classification Scheme 2023. Collection method: clinical testing. Allele origin: germline.

NM_004168.4(SDHA):c.1782G>A (p.Arg594=)

Gene: SDHA (succinate dehydrogenase complex flavoprotein subunit A; plus strand). Cytogenetic location: 5p15.33.
Variant type: single nucleotide variant.
Coding change: c.1782G>A on transcript NM_004168.4 (MANE Select); coding-DNA position 1782, G replaced by A.
Protein change: p.Arg594=; no amino-acid change (arginine 594 retained).
Molecular consequence: synonymous variant. On other transcripts: intron variant (1).
Genome position (GRCh38, 1-based): chr5:251,456, G>A. VCF-style: chr5-251456-G-A. GRCh37 (hg19) VCF-style: chr5-251571-G-A.
Other names: c.1638G>A, p.Arg546= (NM_001294332.2); c.1552-2937G>A (NM_001330758.2).
Identifiers: ClinVar variation 539693 (VCV000539693.16), dbSNP rs751329013, ClinGen allele CA3173356.